The following is an entry in ClinVar:

NM_000245.4(MET):c.-12_17del (p.Met1fs)

Gene: MET (MET proto-oncogene, receptor tyrosine kinase; plus strand). Cytogenetic location: 7q31.2.
Variant type: Deletion.
Coding change: c.-12_17del on transcript NM_000245.4 (MANE Select); 12 bases upstream of the start codon through coding-DNA position 17, 29 bases deleted (AAACCTCTCATAATGAAGGCCCCCGCTGT).
Protein change: p.Met1fs; shifts the reading frame from methionine 1.
Molecular consequence: frameshift variant, initiator codon variant. On other transcripts: intron variant (1).
Genome position (GRCh38, 1-based): chr7:116,699,073-116,699,101, AAACCTCTCATAATGAAGGCCCCCGCTGT deleted; deleting any 29 consecutive bases within chr7:116,699,072-116,699,101 gives the same sequence; the c. name uses the placement nearest the transcript's 3' end. VCF-style (leftmost placement, unchanged base first): chr7-116699071-ATAAACCTCTCATAATGAAGGCCCCCGCTG-A. GRCh37 (hg19) VCF-style: chr7-116339125-ATAAACCTCTCATAATGAAGGCCCCCGCTG-A.
Other names: c.-12_17del, p.Met1fs (NM_001127500.3, NM_001324401.3); c.-91+26496_-91+26524del (NM_001324402.2); c.-12_17del29 (NM_001127500.1); short protein forms M1fs.
Identifiers: ClinVar variation 569107 (VCV000569107.13), dbSNP rs1562882716, ClinGen allele CA891843347.

ClinVar aggregate classification (germline): Uncertain significance. Review status: criteria provided, multiple submitters, no conflicts (2 of 4 stars). 2 submissions from 2 submitters: Uncertain significance (2). Last evaluated 2024-12-16.

Conditions:
Hereditary cancer-predisposing syndrome. Also called: Hereditary neoplastic syndrome; Tumor predisposition; Neoplastic Syndromes, Hereditary; Hereditary Cancer Syndrome. Identifiers: Orphanet 140162, MedGen C0027672, MeSH D009386, MONDO:0015356.
Renal cell carcinoma. Identifiers: Orphanet 217071, MedGen C0007134, MeSH D002292, MONDO:0005086, HP:0005584.

Submissions (2):

Ambry Genetics
Classification: Uncertain significance for Hereditary cancer-predisposing syndrome. Last evaluated: 2024-12-16. Review status: criteria provided, single submitter. Criteria: Ambry Variant Classification Scheme 2023. Collection method: clinical testing. Allele origin: germline.
Comment: The c.-12_17del29 alteration is located in the 5' untranslated region (5'UTR) of the MET gene. This alteration consists of a deletion of 29 nucleotides upstream from the first translated codon. Based on insufficient or conflicting evidence, the clinical significance of this alteration remains unclear.

Labcorp Genetics (formerly Invitae), Labcorp
Classification: Uncertain significance for Renal cell carcinoma. Last evaluated: 2018-05-22. Review status: criteria provided, single submitter. Criteria: Invitae Variant Classification Sherloc (09022015). Collection method: clinical testing. Allele origin: germline.
Comment: In summary, the available evidence is currently insufficient to determine the role of this variant in disease. Therefore, it has been classified as a Variant of Uncertain Significance. The current clinical and genetic evidence is not sufficient to establish whether loss-of-function variants in MET cause disease. Experimental studies and prediction algorithms are not available for this variant, and the functional significance of the deleted amino acids is currently unknown. This variant has not been reported in the literature in individuals with MET-related disease. This variant is not present in population databases (ExAC no frequency). This variant, c.-12_17del, results in the deletion that affects the initiator methionine of the MET mRNA. The next in-frame methionine is located at codon 35.